The following is an entry in ClinVar:

NM_194248.3(OTOF):c.1236del (p.Glu413fs)

Gene: OTOF (otoferlin; minus strand). Cytogenetic location: 2p23.3.
Variant type: Deletion.
Coding change: c.1236del on transcript NM_194248.3 (MANE Select); coding-DNA position 1236, one base deleted (C; older notation c.1236delC).
Protein change: p.Glu413fs; shifts the reading frame from glutamic acid 413.
Molecular consequence: frameshift variant.
Genome position (GRCh38, 1-based): chr2:26,483,618, G deleted on the plus strand (C on the coding strand, the reverse complement: OTOF is on the minus strand); the first of 6 consecutive G bases (chr2:26,483,618-26,483,623); deleting any one gives the same sequence. VCF-style (leftmost placement, unchanged base first): chr2-26483617-CG-C. GRCh37 (hg19) VCF-style: chr2-26706485-CG-C.
Other names: c.1236del, p.Glu413fs (NM_001287489.2); short protein forms E413fs.
Identifiers: ClinVar variation 65775 (VCV000065775.7), dbSNP rs397515581, ClinGen allele CA345086.

ClinVar aggregate classification (germline): Pathogenic. Review status: criteria provided, multiple submitters, no conflicts (2 of 4 stars). 3 submissions from 3 submitters: Pathogenic (2). 1 of the submissions does not count toward it. Last evaluated 2023-04-09.

Conditions:
Autosomal recessive nonsyndromic hearing loss 9. Also called: Deafness, autosomal recessive 9; OTOF-Related Hearing Loss; AUDITORY NEUROPATHY, AUTOSOMAL RECESSIVE, 1, TEMPERATURE-SENSITIVE; NEUROSENSORY NONSYNDROMIC RECESSIVE DEAFNESS 9. Identifiers: Orphanet 90636, MedGen C1832828, MONDO:0010986, OMIM 601071.

Submissions (3):

Labcorp Genetics (formerly Invitae), Labcorp
Classification: Pathogenic. Last evaluated: 2023-04-09. Review status: criteria provided, single submitter. Criteria: Invitae Variant Classification Sherloc (09022015). Collection method: clinical testing. Allele origin: germline.
Comment: This premature translational stop signal has been observed in individual(s) with auditory neuropathy spectrum disorder and/or bilateral nonsyndromic deafness (PMID: 18381613, 25788563, 30065612). This variant is not present in population databases (gnomAD no frequency). This sequence change creates a premature translational stop signal (p.Glu413Asnfs*9) in the OTOF gene. It is expected to result in an absent or disrupted protein product. Loss-of-function variants in OTOF are known to be pathogenic (PMID: 18381613, 19250381, 22575033). ClinVar contains an entry for this variant (Variation ID: 65775). For these reasons, this variant has been classified as Pathogenic.

Mendelics
Classification: Pathogenic for Autosomal recessive nonsyndromic hearing loss 9. Last evaluated: 2019-05-28. Review status: criteria provided, single submitter. Criteria: Mendelics Assertion Criteria 2017. Collection method: clinical testing. Allele origin: unknown.

GeneReviews
No classification provided. Condition: Autosomal recessive nonsyndromic hearing loss 9. Review status: no classification provided. Collection method: literature only. Allele origin: unknown. Not counted in ClinVar's aggregate classification.

Literature cited by the submitters: PubMed 18381613 (cited by Labcorp Genetics (formerly Invitae), Labcorp and GeneReviews); PubMed 25788563 (cited by Labcorp Genetics (formerly Invitae), Labcorp); PubMed 30065612 (cited by Labcorp Genetics (formerly Invitae), Labcorp); PubMed 19250381 (cited by Labcorp Genetics (formerly Invitae), Labcorp); PubMed 22575033 (cited by Labcorp Genetics (formerly Invitae), Labcorp); PubMed 20301429 (cited by GeneReviews); NCBI Bookshelf NBK1251 (cited by GeneReviews).